The following is an entry in ClinVar:

NM_001164462.2(MUC12):c.4857C>T (p.Ser1619=)

Gene: MUC12 (mucin 12, cell surface associated; plus strand). Cytogenetic location: 7q22.1.
Variant type: single nucleotide variant.
Coding change: c.4857C>T on transcript NM_001164462.2 (MANE Select); coding-DNA position 4857, C replaced by T.
Protein change: p.Ser1619=; no amino-acid change (serine 1619 retained).
Molecular consequence: synonymous variant.
Genome position (GRCh38, 1-based): chr7:100,995,420, C>T. VCF-style: chr7-100995420-C-T. GRCh37 (hg19) VCF-style: chr7-100638701-C-T.
Identifiers: ClinVar variation 2657812 (VCV002657812.24), dbSNP rs373607137, ClinGen allele CA4399615.

ClinVar aggregate classification (germline): Likely benign (1 of 4 stars; one submission).

Allele frequency attached by ClinVar (database versions not stated): ExAC 0.00128; ESP Exome Variant Server 0.00460.

Submission:

CeGaT Center for Human Genetics Tuebingen
Classification: Likely benign. Last evaluated: 2022-08-01. Review status: criteria provided, single submitter. Criteria: CeGaT Center For Human Genetics Tuebingen Variant Classification Criteria Version 2. Collection method: clinical testing. Allele origin: germline. Affected: yes. Observed: 1 variant allele.
Comment: MUC12: BP4, BP7